The following is an entry in ClinVar:

ClinVar aggregate classification (germline): Uncertain significance (1 of 4 stars; one submission).

Conditions:
Cardiovascular phenotype. Identifiers: MedGen CN230736.

Submission:

Ambry Genetics
Classification: Uncertain significance for Cardiovascular phenotype. Last evaluated: 2026-04-20. Review status: criteria provided, single submitter. Criteria: Ambry Variant Classification Scheme 2023. Collection method: clinical testing. Allele origin: germline.
Comment: The p.I379F variant (also known as c.1135A>T), located in coding exon 12 of the TMEM43 gene, results from an A to T substitution at nucleotide position 1135. The isoleucine at codon 379 is replaced by phenylalanine, an amino acid with highly similar properties. This amino acid position is conserved. In addition, this alteration is predicted to be tolerated by in silico analysis. Based on the available evidence, the clinical significance of this variant remains unclear.

NM_024334.3(TMEM43):c.1135A>T (p.Ile379Phe)

Gene: TMEM43 (transmembrane protein 43; plus strand). Cytogenetic location: 3p25.1.
Variant type: single nucleotide variant.
Coding change: c.1135A>T on transcript NM_024334.3 (MANE Select); coding-DNA position 1135, A replaced by T.
Protein change: p.Ile379Phe; replaces isoleucine 379 with phenylalanine.
Molecular consequence: missense variant.
Genome position (GRCh38, 1-based): chr3:14,141,727, A>T. VCF-style: chr3-14141727-A-T. GRCh37 (hg19) VCF-style: chr3-14183227-A-T.
Other names: c.1138A>T, p.Ile380Phe (NM_001407274.1); c.1132A>T, p.Ile378Phe (NM_001407275.1, NM_001407276.1); c.1129A>T, p.Ile377Phe (NM_001407277.1); c.1120A>T, p.Ile374Phe (NM_001407278.1); c.1060A>T, p.Ile354Phe (NM_001407279.1); c.985A>T, p.Ile329Phe (NM_001407280.1); short protein forms I329F, I354F, I374F, I377F, I378F, I379F, I380F.
Identifiers: ClinVar variation 4865750 (VCV004865750.1).
Genomic context (GRCh38, chr3:14,141,727, plus strand): 5'-CTGACCCTGCTGACCGTGGCGGCTGGCTGGCTCTTCTACCGACCCCTGTGGGCCCTCCTC[A>T]TTGCCGGCCTGGCCCTTGTGCCCATCCTTGTTGCTCGGACACGGGTGCCAGCCAAAAAGT-3'
Protein context (NP_077310.1, residues 369-389): LFYRPLWALL[Ile379Phe]AGLALVPILV